The following is an entry in ClinVar:

NM_022482.5(GZF1):c.1272_1274del (p.His425del)

Gene: GZF1 (GDNF inducible zinc finger protein 1; plus strand). Cytogenetic location: 20p11.21.
Variant type: Deletion.
Coding change: c.1272_1274del on transcript NM_022482.5 (MANE Select); coding-DNA positions 1272 to 1274, 3 bases deleted (GCA; older notation c.1272_1274delGCA).
Protein change: p.His425del; deletes histidine 425.
Molecular consequence: inframe deletion.
Genome position (GRCh38, 1-based): chr20:23,365,655-23,365,657, GCA deleted. VCF-style (leftmost placement, unchanged base first): chr20-23365654-TGCA-T. GRCh37 (hg19) VCF-style: chr20-23346291-TGCA-T.
Other names: c.1272_1274del, p.His425del (NM_001317012.2, NM_001317019.1); short protein forms H425del.
Identifiers: ClinVar variation 3775593 (VCV003775593.1).
Genomic context (GRCh38, chr20:23,365,654, plus strand): 5'-GCGAGCGGCACCGCTGCGGCCAGTGCGGCAAGGGCCTGAGTTCCAAGACAGCGCTGCGGC[TGCA>T]CGAGCGCACACACACGGGAGACCGGCCCTACGGCTGCACCGAGTGCGGCGCCAGGTTCTC-3'

ClinVar aggregate classification (germline): Uncertain significance (1 of 4 stars; one submission).

Conditions:
Joint laxity, short stature, and myopia. Identifiers: Orphanet 527450, MedGen C4540020, MONDO:0060556, OMIM 617662.

Submission:

3billion
Classification: Uncertain significance for Joint laxity, short stature, and myopia. Last evaluated: 2023-11-22. Review status: criteria provided, single submitter. Criteria: ACMG Guidelines, 2015. Collection method: clinical testing. Allele origin: germline. Affected: yes.
Comment: Therefore, this variant is classified as VUS according to the recommendation of ACMG/AMP guideline.